The following is an entry in ClinVar:

ClinVar aggregate classification (germline): Benign. Review status: criteria provided, multiple submitters, no conflicts (2 of 4 stars). 12 submissions from 12 submitters: Benign (10). 2 of the submissions do not count toward it. Last evaluated 2026-02-04.

Conditions:
Cardiovascular phenotype. Identifiers: MedGen CN230736.
Brugada syndrome. Also called: Sudden unexplained nocturnal death syndrome; Sudden Unexplained Death Syndrome; Sudden Unexplained Nocturnal Death Syndrome (SUNDS); Sudden unexpected nocturnal death syndrome. Identifiers: Orphanet 130, MedGen C1142166, MONDO:0015263.
Episodic pain syndrome, familial, 2 (FEPS2). Identifiers: Orphanet 306577, MedGen C3809893, MONDO:0014246, OMIM 615551.

Allele frequency attached by ClinVar (database versions not stated): gnomAD exomes 0.61865 and 0.65247; ExAC 0.65856; TOPMed 0.71904; 1000 Genomes Project 0.75799; 1000 Genomes Project 30x 0.76296; gnomAD 0.70211 and 0.70355; ESP Exome Variant Server 0.70252.
gnomAD v4.1: 999,691 of 1,594,466 alleles (63%); highest among the groups gnomAD compares: African/African-American, 91%; 318,682 homozygotes.

Submissions (12):

Labcorp Genetics (formerly Invitae), Labcorp
Classification: Benign for Brugada syndrome. Last evaluated: 2026-02-04. Review status: criteria provided, single submitter. Criteria: Invitae Variant Classification Sherloc (09022015). Collection method: clinical testing. Allele origin: germline.

Blueprint Genetics
Classification: Benign. Last evaluated: 2024-11-26. Review status: criteria provided, single submitter. Criteria: ACMG Guidelines, 2015. Collection method: clinical testing. Allele origin: germline.

Women's Health and Genetics/Laboratory Corporation of America, LabCorp
Classification: Benign. Last evaluated: 2023-04-04. Review status: criteria provided, single submitter. Criteria: LabCorp Variant Classification Summary - May 2015. Collection method: clinical testing. Allele origin: germline.

Genome-Nilou Lab
Classification: Benign for Episodic pain syndrome, familial, 2. Last evaluated: 2021-07-15. Review status: criteria provided, single submitter. Criteria: ACMG Guidelines, 2015. Collection method: clinical testing. Allele origin: germline. Affected: no.

Ambry Genetics
Classification: Benign for Cardiovascular phenotype. Last evaluated: 2018-12-03. Review status: criteria provided, single submitter. Criteria: Ambry Variant Classification Scheme 2023. Collection method: clinical testing. Allele origin: germline.

Mayo Clinic Laboratories, Mayo Clinic
Classification: Benign. Last evaluated: 2017-07-19. Review status: criteria provided, single submitter. Criteria: ACMG Guidelines, 2015. Collection method: clinical testing. Allele origin: germline. Observed: 1,223 variant alleles.

GeneDx
Classification: Benign. Last evaluated: 2016-09-22. Review status: criteria provided, single submitter. Criteria: GeneDx Variant Classification (06012015). Collection method: clinical testing. Allele origin: germline. Affected: yes.
Comment: This variant is considered likely benign or benign based on one or more of the following criteria: it is a conservative change, it occurs at a poorly conserved position in the protein, it is predicted to be benign by multiple in silico algorithms, and/or has population frequency not consistent with disease.

Molecular Diagnostic Laboratory for Inherited Cardiovascular Disease, Montreal Heart Institute
Classification: Benign. Last evaluated: 2016-06-10. Review status: criteria provided, single submitter. Criteria: ACMG Guidelines, 2015. Collection method: clinical testing. Allele origin: germline. Affected: yes.

Breakthrough Genomics
Classification: Benign. Review status: criteria provided, single submitter. Criteria: ACMG Guidelines, 2015. Collection method: not provided. Allele origin: germline. Inheritance: Autosomal dominant inheritance. Affected: yes.

PreventionGenetics, part of Exact Sciences
Classification: Benign. Review status: criteria provided, single submitter. Criteria: ACMG Guidelines, 2015. Collection method: clinical testing. Allele origin: germline.

Clinical Genetics, Academic Medical Center
Classification: Benign. Review status: no assertion criteria provided. Collection method: clinical testing. Allele origin: germline. Affected: yes. Study: VKGL Data-share Consensus. Not counted in ClinVar's aggregate classification.

Joint Genome Diagnostic Labs from Nijmegen and Maastricht, Radboudumc and MUMC+
Classification: Benign. Review status: no assertion criteria provided. Collection method: clinical testing. Allele origin: germline. Affected: yes. Study: VKGL Data-share Consensus. Not counted in ClinVar's aggregate classification.

NM_006514.4(SCN10A):c.3218T>C (p.Val1073Ala)

Genes: SCN10A (sodium voltage-gated channel alpha subunit 10; minus strand), LOC110121288 (VISTA enhancer hs2268; plus strand). Cytogenetic location: 3p22.2.
Variant type: single nucleotide variant.
Coding change: c.3218T>C on transcript NM_006514.4 (MANE Select); coding-DNA position 3218, T replaced by C.
Protein change: p.Val1073Ala; replaces valine 1073 with alanine.
Molecular consequence: missense variant.
Genome position (GRCh38, 1-based): chr3:38,725,184, A>G on the plus strand (T>C on the coding strand, the complement: SCN10A is on the minus strand). VCF-style: chr3-38725184-A-G. GRCh37 (hg19) VCF-style: chr3-38766675-A-G.
Other names: c.3215T>C, p.Val1072Ala (NM_001293306.2); c.2924T>C, p.Val975Ala (NM_001293307.2); short protein forms V1073A, V1072A, V975A.
Identifiers: ClinVar variation 259996 (VCV000259996.23), dbSNP rs6795970, ClinGen allele CA2320322.